The following is an entry in ClinVar:

ClinVar aggregate classification (germline): Benign/Likely benign. Review status: criteria provided, multiple submitters, no conflicts (2 of 4 stars). 15 submissions from 15 submitters: Benign (9); Likely benign (5). 1 of the submissions does not count toward it. Last evaluated 2026-02-04.

Conditions:
Lymphangiomyomatosis (LAM). Also called: Lymphangioleiomyomatosis, somatic; Lymphangioleiomyomatosis. Identifiers: Orphanet 538, MedGen C0751674, MONDO:0011705, OMIM 606690.
Tuberous sclerosis 2 (TSC2). Identifiers: Orphanet 805, MedGen C1860707, MONDO:0013199, OMIM 613254.
Isolated focal cortical dysplasia type II (FCORD2). Also called: Focal cortical dysplasia type II; CORTICAL DYSPLASIA OF TAYLOR. Identifiers: Orphanet 268994, MedGen C1846385, MONDO:0011818, OMIM 607341, HP:0032051.
TSC2-related disorder. Also called: TSC2-related condition; TSC2-Related Disorders.
Hereditary cancer-predisposing syndrome. Also called: Tumor predisposition; Hereditary neoplastic syndrome; Hereditary Cancer Syndrome; Neoplastic Syndromes, Hereditary. Identifiers: Orphanet 140162, MedGen C0027672, MeSH D009386, MONDO:0015356.
Tuberous sclerosis syndrome (TSC). Also called: Tuberous Sclerosis Complex; Tuberous sclerosis. Identifiers: Orphanet 805, MedGen C0041341, MONDO:0001734.

Allele frequency attached by ClinVar (database versions not stated): gnomAD exomes 0.00014; ExAC 0.00045; ESP Exome Variant Server 0.00123; gnomAD 0.00125 and 0.00138; 1000 Genomes Project 0.00140; TOPMed 0.00152; 1000 Genomes Project 30x 0.00172.
gnomAD v4.1: 393 of 1,612,970 alleles (0.024%); highest among the groups gnomAD compares: African/African-American, 0.46%; 1 homozygote.

Submissions (15):

Labcorp Genetics (formerly Invitae), Labcorp
Classification: Benign for Tuberous sclerosis 2. Last evaluated: 2026-02-04. Review status: criteria provided, single submitter. Criteria: Invitae Variant Classification Sherloc (09022015). Collection method: clinical testing. Allele origin: germline.

Quest Diagnostics Nichols Institute San Juan Capistrano
Classification: Benign. Last evaluated: 2025-09-11. Review status: criteria provided, single submitter. Criteria: Quest Diagnostics criteria. Collection method: clinical testing. Allele origin: unknown.

Myriad Genetics, Inc.
Classification: Benign for Tuberous sclerosis 2. Last evaluated: 2025-05-20. Review status: criteria provided, single submitter. Criteria: Myriad Autosomal Dominant, Autosomal Recessive and X-Linked Classification Criteria (2023). Collection method: clinical testing. Allele origin: unknown.
Comment: This variant is considered benign. This variant is a silent/synonymous amino acid change and it is not expected to impact splicing.

CeGaT Center for Human Genetics Tuebingen
Classification: Likely benign. Last evaluated: 2024-10-01. Review status: criteria provided, single submitter. Criteria: CeGaT Center For Human Genetics Tuebingen Variant Classification Criteria Version 2. Collection method: clinical testing. Allele origin: germline. Affected: yes. Observed: 2 variant alleles.
Comment: TSC2: BP4, BP7

KCCC/NGS Laboratory, Kuwait Cancer Control Center
Classification: Benign for Tuberous sclerosis 2. Last evaluated: 2023-07-07. Review status: criteria provided, single submitter. Criteria: ACMG Guidelines, 2015. Collection method: clinical testing. Allele origin: germline. Affected: yes.

Blueprint Genetics
Classification: Likely benign. Last evaluated: 2023-05-12. Review status: criteria provided, single submitter. Criteria: ACMG Guidelines, 2015. Collection method: clinical testing. Allele origin: germline.

Color Diagnostics, LLC DBA Color Health
Classification: Benign for Tuberous sclerosis syndrome. Last evaluated: 2022-09-27. Review status: criteria provided, single submitter. Criteria: ACMG Guidelines, 2015. Collection method: clinical testing. Allele origin: germline.

Women's Health and Genetics/Laboratory Corporation of America, LabCorp
Classification: Benign. Last evaluated: 2022-09-12. Review status: criteria provided, single submitter. Criteria: LabCorp Variant Classification Summary - May 2015. Collection method: clinical testing. Allele origin: germline.

Fulgent Genetics
Classification: Likely benign for Lymphangiomyomatosis; Isolated focal cortical dysplasia type II; Tuberous sclerosis 2. Last evaluated: 2022-05-04. Review status: criteria provided, single submitter. Criteria: ACMG Guidelines, 2015. Collection method: clinical testing. Allele origin: unknown.

Genome-Nilou Lab
Classification: Benign for Tuberous sclerosis 2. Last evaluated: 2021-11-07. Review status: criteria provided, single submitter. Criteria: ACMG Guidelines, 2015. Collection method: clinical testing. Allele origin: germline. Affected: no.

Sema4
Classification: Benign for Hereditary cancer-predisposing syndrome. Last evaluated: 2021-05-07. Review status: criteria provided, single submitter. Criteria: Sema4 Curation Guidelines. Collection method: curation. Allele origin: germline.

Ambry Genetics
Classification: Likely benign for Hereditary cancer-predisposing syndrome. Last evaluated: 2016-01-29. Review status: criteria provided, single submitter. Criteria: Ambry Variant Classification Scheme 2023. Collection method: clinical testing. Allele origin: germline.

GeneDx
Classification: Benign. Last evaluated: 2014-02-05. Review status: criteria provided, single submitter. Criteria: GeneDx Variant Classification (06012015). Collection method: clinical testing. Allele origin: germline. Affected: yes.
Comment: This variant is considered likely benign or benign based on one or more of the following criteria: it is a conservative change, it occurs at a poorly conserved position in the protein, it is predicted to be benign by multiple in silico algorithms, and/or has population frequency not consistent with disease.

Breakthrough Genomics
Classification: Likely benign. Review status: criteria provided, single submitter. Criteria: ACMG Guidelines, 2015. Collection method: not provided. Allele origin: germline. Inheritance: Autosomal dominant inheritance. Affected: yes.

PreventionGenetics, part of Exact Sciences
Classification: Benign for TSC2-related condition. Last evaluated: 2021-03-09. Review status: no assertion criteria provided. Collection method: clinical testing. Allele origin: germline. Not counted in ClinVar's aggregate classification.
Comment: This variant is classified as benign based on ACMG/AMP sequence variant interpretation guidelines (Richards et al. 2015 PMID: 25741868, with internal and published modifications).

NM_000548.5(TSC2):c.2565C>T (p.His855=)

Gene: TSC2 (TSC complex subunit 2; plus strand). Cytogenetic location: 16p13.3.
Variant type: single nucleotide variant.
Coding change: c.2565C>T on transcript NM_000548.5 (MANE Select); coding-DNA position 2565, C replaced by T.
Protein change: p.His855=; no amino-acid change (histidine 855 retained).
Molecular consequence: synonymous variant.
Genome position (GRCh38, 1-based): chr16:2,075,818, C>T. VCF-style: chr16-2075818-C-T. GRCh37 (hg19) VCF-style: chr16-2125819-C-T.
Other names: p.H855H:CAC>CAT; c.2565C>T, p.His855= (NM_001077183.3, NM_001114382.3, NM_001363528.2 and 3 more transcripts); c.2454C>T, p.His818= (NM_001318827.2); c.2418C>T, p.His806= (NM_001318829.2); c.1965C>T, p.His655= (NM_001318831.2); c.2598C>T, p.His866= (NM_001318832.2); c.2565C>T (NM_000548.4).
Identifiers: ClinVar variation 137741 (VCV000137741.53), dbSNP rs143537386, ClinGen allele CA017673.
Genomic context (GRCh38, chr16:2,075,818, plus strand): 5'-CGGGACCCCGGCTCCCCTGACCACCCTCTCCATTACCGCAGCTCTGGCCAGGCTGCCGCA[C>T]CTCTACAGGAACTTTGCCGCGGAGCAGTATGCCAGTGTGTTCGCCATCTCCCTGCCGTAC-3'
Protein context (NP_000539.2, residues 845-865): EFLSTLARLP[His855=]LYRNFAAEQY